The following is an entry in ClinVar:

NM_000350.3(ABCA4):c.6284A>T (p.Asp2095Val)

Gene: ABCA4 (ATP binding cassette subfamily A member 4; minus strand). Cytogenetic location: 1p22.1.
Variant type: single nucleotide variant.
Coding change: c.6284A>T on transcript NM_000350.3 (MANE Select); coding-DNA position 6284, A replaced by T.
Protein change: p.Asp2095Val; replaces aspartic acid 2095 with valine.
Molecular consequence: missense variant.
Genome position (GRCh38, 1-based): chr1:94,001,104, T>A on the plus strand (A>T on the coding strand, the complement: ABCA4 is on the minus strand). VCF-style: chr1-94001104-T-A. GRCh37 (hg19) VCF-style: chr1-94466660-T-A.
Other names: c.6062A>T, p.Asp2021Val (NM_001425324.1); short protein forms D2095V, D2021V.
Identifiers: ClinVar variation 417995 (VCV000417995.3), dbSNP rs1064793015, ClinGen allele CA16617199.

ClinVar aggregate classification (germline): Likely pathogenic. Review status: criteria provided, multiple submitters, no conflicts (2 of 4 stars). 2 submissions from 2 submitters: Likely pathogenic (2). Last evaluated 2021-08-25.

Conditions:
ABCA4-related disorder. Also called: ABCA4-related disorders; ABCA4-related condition. Identifiers: MedGen CN239167.

Allele frequency attached by ClinVar (database versions not stated): gnomAD exomes below 0.00001.
gnomAD v4.1: 1 of 1,613,164 alleles (0.000062%); highest among the groups gnomAD compares: South Asian, 0.0011%; no homozygotes.

Submissions (2):

Blueprint Genetics
Classification: Likely pathogenic for ABCA4-related disorders. Last evaluated: 2021-08-25. Review status: criteria provided, single submitter. Criteria: ACMG Guidelines, 2015. Collection method: clinical testing. Allele origin: germline. Affected: yes. Observed: 1 variant allele.

GeneDx
Classification: Likely pathogenic. Last evaluated: 2013-02-22. Review status: criteria provided, single submitter. Criteria: GeneDx Variant Classification (06012015). Collection method: clinical testing. Allele origin: germline. Affected: yes.
Comment: The D2095V missense change in the ABCA4 gene has not been reported as a pathogenic variant or as a benign polymorphism to our knowledge. The D2095V amino acid substitution is non-conservative with a neutral and polar residue (Asp) being replaced by a neutral and non-polar residue (Val). The residue at which this substitution occurs is highly conserved within the ABC transporter 2 domain of the ABCR protein. Other missense variants in nearby codons (E2096K, D2102E, R2106C, R2107C) have been reported in association with ABCA4-related disorders (Lewis, 1997; Briggs 2001; Zernant, 2011). The D2095V variant was not observed in external variant databases, indicating it is not a common benign variant.